The following is an entry in ClinVar:

ClinVar aggregate classification (germline): Uncertain significance. Review status: criteria provided, multiple submitters, no conflicts (2 of 4 stars). 3 submissions from 3 submitters: Uncertain significance (3). Last evaluated 2026-09-15.

Conditions:
ADCY3-related disorder. Also called: ADCY3-related condition.
Inborn genetic diseases. Identifiers: MedGen C0950123, MeSH D030342.

Allele frequency attached by ClinVar (database versions not stated): gnomAD 0.00001; gnomAD exomes 0.00001; ExAC 0.00002; TOPMed 0.00002.
gnomAD v4.1: 21 of 1,611,454 alleles (0.0013%); highest among the groups gnomAD compares: Non-Finnish European, 0.0017%; no homozygotes.

Submissions (3):

PreventionGenetics, part of Exact Sciences
Classification: Uncertain significance for ADCY3-related condition. Last evaluated: 2026-09-15. Review status: criteria provided, single submitter. Criteria: ACMG Guidelines, 2015. Collection method: clinical testing. Allele origin: germline.
Comment: The ADCY3 c.1948G>A variant is predicted to result in the amino acid substitution p.Glu650Lys. To our knowledge, this variant has not been reported in the literature. This variant is reported in 0.0039% of alleles in individuals of European (Non-Finnish) descent in gnomAD. At this time, the clinical significance of this variant is uncertain due to the absence of conclusive functional and genetic evidence.

Ambry Genetics
Classification: Uncertain significance for Inborn genetic diseases. Last evaluated: 2025-06-29. Review status: criteria provided, single submitter. Criteria: Ambry Variant Classification Scheme 2023. Collection method: clinical testing. Allele origin: germline.

Labcorp Genetics (formerly Invitae), Labcorp
Classification: Uncertain significance. Last evaluated: 2024-11-05. Review status: criteria provided, single submitter. Criteria: Invitae Variant Classification Sherloc (09022015). Collection method: clinical testing. Allele origin: germline.
Comment: This sequence change replaces glutamic acid, which is acidic and polar, with lysine, which is basic and polar, at codon 650 of the ADCY3 protein (p.Glu650Lys). This variant is present in population databases (rs752251382, gnomAD 0.004%). This variant has not been reported in the literature in individuals affected with ADCY3-related conditions. ClinVar contains an entry for this variant (Variation ID: 2886025). Invitae Evidence Modeling of protein sequence and biophysical properties (such as structural, functional, and spatial information, amino acid conservation, physicochemical variation, residue mobility, and thermodynamic stability) indicates that this missense variant is expected to disrupt ADCY3 protein function with a positive predictive value of 80%. In summary, the available evidence is currently insufficient to determine the role of this variant in disease. Therefore, it has been classified as a Variant of Uncertain Significance.

NM_004036.5(ADCY3):c.1948G>A (p.Glu650Lys)

Gene: ADCY3 (adenylate cyclase 3; minus strand). Cytogenetic location: 2p23.3.
Variant type: single nucleotide variant.
Coding change: c.1948G>A on transcript NM_004036.5 (MANE Select); coding-DNA position 1948, G replaced by A.
Protein change: p.Glu650Lys; replaces glutamic acid 650 with lysine.
Molecular consequence: missense variant.
Genome position (GRCh38, 1-based): chr2:24,834,504, C>T on the plus strand (G>A on the coding strand, the complement: ADCY3 is on the minus strand). VCF-style: chr2-24834504-C-T. GRCh37 (hg19) VCF-style: chr2-25057373-C-T.
Other names: c.1948G>A, p.Glu650Lys (NM_001320613.2, NM_001377129.1, NM_001377130.1 and 1 more transcripts); c.2014G>A, p.Glu672Lys (NM_001377128.1); c.1225G>A, p.Glu409Lys (NM_001377131.1); c.1948G>A (NM_004036.3, NM_001320613.1); short protein forms E409K, E650K, E672K.
Identifiers: ClinVar variation 2886025 (VCV002886025.5), dbSNP rs752251382, ClinGen allele CA1553955.
Genomic context (GRCh38, chr2:24,834,504, plus strand): 5'-CAGCCGAGGAAACTCGTGGCCCTCCCCGGCCCCTCCCTCACCAGGGGTCGATGAGTATCT[C>T]GACCAGGGCCGTGCAGAGCAGGACGACGCAGGAGCAGCTGAAGGCAGCCCCACTCTGCTT-3'
Protein context (NP_004027.2, residues 640-660): CVVLLCTALV[Glu650Lys]ILIDPWLMTN